The following is an entry in ClinVar:

ClinVar aggregate classification (germline): Uncertain significance. Review status: criteria provided, multiple submitters, no conflicts (2 of 4 stars). 2 submissions from 2 submitters: Uncertain significance (2). Last evaluated 2023-11-13.

Conditions:
Batten-Turner congenital myopathy. Also called: Myotonia congenita; Congenital myotonia. Identifiers: Orphanet 206973, MedGen C0027127, MONDO:0100468, OMIM 255300.
Congenital myotonia, autosomal recessive form. Also called: BECKER DISEASE; myotonia congenita, autosomal recessive; Becker Generalized Myotonia. Identifiers: Orphanet 614, MedGen C0751360, MONDO:0009715, OMIM 255700.
Congenital myotonia, autosomal dominant form (THD). Also called: Myotonia congenita autosomal dominant; THOMSEN DISEASE. Identifiers: Orphanet 614, MedGen C2936781, MONDO:0008055, OMIM 160800.

Allele frequency attached by ClinVar (database versions not stated): gnomAD exomes 0.00001; TOPMed 0.00001.
gnomAD v4.1: 8 of 1,613,800 alleles (0.0005%); highest among the groups gnomAD compares: Non-Finnish European, 0.00068%; no homozygotes.

Submissions (2):

Labcorp Genetics (formerly Invitae), Labcorp
Classification: Uncertain significance for Congenital myotonia, autosomal recessive form; Congenital myotonia, autosomal dominant form. Last evaluated: 2023-11-13. Review status: criteria provided, single submitter. Criteria: Invitae Variant Classification Sherloc (09022015). Collection method: clinical testing. Allele origin: germline.
Comment: This sequence change replaces arginine, which is basic and polar, with threonine, which is neutral and polar, at codon 72 of the CLCN1 protein (p.Arg72Thr). This variant is present in population databases (no rsID available, gnomAD 0.002%). This variant has not been reported in the literature in individuals affected with CLCN1-related conditions. ClinVar contains an entry for this variant (Variation ID: 359093). Advanced modeling of protein sequence and biophysical properties (such as structural, functional, and spatial information, amino acid conservation, physicochemical variation, residue mobility, and thermodynamic stability) performed at Invitae indicates that this missense variant is not expected to disrupt CLCN1 protein function with a negative predictive value of 95%. In summary, the available evidence is currently insufficient to determine the role of this variant in disease. Therefore, it has been classified as a Variant of Uncertain Significance.

Illumina Laboratory Services, Illumina
Classification: Uncertain significance for Myotonia congenita. Last evaluated: 2018-01-13. Review status: criteria provided, single submitter. Criteria: ICSL Variant Classification Criteria 13 December 2019. Collection method: clinical testing. Allele origin: germline.

NM_000083.3(CLCN1):c.215G>C (p.Arg72Thr)

Gene: CLCN1 (chloride voltage-gated channel 1; plus strand). Cytogenetic location: 7q34.
Variant type: single nucleotide variant.
Coding change: c.215G>C on transcript NM_000083.3 (MANE Select); coding-DNA position 215, G replaced by C.
Protein change: p.Arg72Thr; replaces arginine 72 with threonine.
Molecular consequence: missense variant. On other transcripts: non-coding transcript variant (1).
Genome position (GRCh38, 1-based): chr7:143,319,789, G>C. VCF-style: chr7-143319789-G-C. GRCh37 (hg19) VCF-style: chr7-143016882-G-C.
Other names: short protein forms R72T.
Identifiers: ClinVar variation 359093 (VCV000359093.9), dbSNP rs886062033, ClinGen allele CA10625392.